The following is an entry in ClinVar:

NM_000817.3(GAD1):c.830C>T (p.Ala277Val)

Gene: GAD1 (glutamate decarboxylase 1; plus strand). Cytogenetic location: 2q31.1.
Variant type: single nucleotide variant.
Coding change: c.830C>T on transcript NM_000817.3 (MANE Select); coding-DNA position 830, C replaced by T.
Protein change: p.Ala277Val; replaces alanine 277 with valine.
Molecular consequence: missense variant.
Genome position (GRCh38, 1-based): chr2:170,845,584, C>T. VCF-style: chr2-170845584-C-T. GRCh37 (hg19) VCF-style: chr2-171702094-C-T.
Other names: short protein forms A277V.
Identifiers: ClinVar variation 1389291 (VCV001389291.6), dbSNP rs143319979, ClinGen allele CA1962744.

ClinVar aggregate classification (germline): Uncertain significance (1 of 4 stars; one submission).

Conditions:
Neurodevelopmental disorder with progressive spasticity and brain white matter abnormalities. Also called: CEREBRAL PALSY, SPASTIC QUADRIPLEGIC, 1. Identifiers: Orphanet 210141, Orphanet 641353, MedGen C5436628, MONDO:0033613, OMIM 619026.

Allele frequency attached by ClinVar (database versions not stated): gnomAD exomes 0.00001 and 0.00004; ExAC 0.00003; gnomAD 0.00003 and 0.00004; TOPMed 0.00003; ESP Exome Variant Server 0.00008.

Submission:

Labcorp Genetics (formerly Invitae), Labcorp
Classification: Uncertain significance for Neurodevelopmental disorder with progressive spasticity and brain white matter abnormalities. Last evaluated: 2024-10-29. Review status: criteria provided, single submitter. Criteria: Invitae Variant Classification Sherloc (09022015). Collection method: clinical testing. Allele origin: germline.
Comment: This sequence change replaces alanine, which is neutral and non-polar, with valine, which is neutral and non-polar, at codon 277 of the GAD1 protein (p.Ala277Val). This variant is present in population databases (rs143319979, gnomAD 0.02%). This variant has not been reported in the literature in individuals affected with GAD1-related conditions. ClinVar contains an entry for this variant (Variation ID: 1389291). Invitae Evidence Modeling of protein sequence and biophysical properties (such as structural, functional, and spatial information, amino acid conservation, physicochemical variation, residue mobility, and thermodynamic stability) indicates that this missense variant is not expected to disrupt GAD1 protein function with a negative predictive value of 80%. In summary, the available evidence is currently insufficient to determine the role of this variant in disease. Therefore, it has been classified as a Variant of Uncertain Significance.